The following is an entry in ClinVar:

NM_005857.5(ZMPSTE24):c.770-131T>C

Gene: ZMPSTE24 (zinc metallopeptidase STE24; plus strand). Cytogenetic location: 1p34.2.
Variant type: single nucleotide variant.
Coding change: c.770-131T>C on transcript NM_005857.5 (MANE Select); 131 bases into the intron before coding-DNA position 770, T replaced by C.
Molecular consequence: intron variant.
Genome position (GRCh38, 1-based): chr1:40,281,212, T>C. VCF-style: chr1-40281212-T-C. GRCh37 (hg19) VCF-style: chr1-40746884-T-C.
Other names: c.770-131T>C (LRG_212t1).
Identifiers: ClinVar variation 140539 (VCV000140539.5), dbSNP rs78985808, ClinGen allele CA232764.

ClinVar aggregate classification (germline): Likely benign. Review status: criteria provided, multiple submitters, no conflicts (2 of 4 stars). 3 submissions from 3 submitters: Likely benign (2). 1 of the submissions does not count toward it. Last evaluated 2019-11-04.

Allele frequency attached by ClinVar (database versions not stated): gnomAD 0.00984; TOPMed 0.01029; 1000 Genomes Project 30x 0.01249; 1000 Genomes Project 0.01258.
gnomAD v4.1: 2,468 of 928,676 alleles (0.27%); highest among the groups gnomAD compares: African/African-American, 3.2%; 33 homozygotes.

Submissions (3):

GeneDx
Classification: Likely benign. Last evaluated: 2019-11-04. Review status: criteria provided, single submitter. Criteria: GeneDx Variant Classification Process June 2021. Collection method: clinical testing. Allele origin: germline. Affected: yes.

Breakthrough Genomics
Classification: Likely benign. Review status: criteria provided, single submitter. Criteria: ACMG Guidelines, 2015. Collection method: not provided. Allele origin: germline. Inheritance: Autosomal recessive inheritance. Affected: yes.

ZMPSTE24 homepage - Leiden Muscular Dystrophy pages
No classification provided. Review status: no classification provided. Collection method: not provided. Allele origin: germline, unknown. Not counted in ClinVar's aggregate classification.
Comment: no known functional consequence